The following is an entry in ClinVar:

NC_000002.11:g.(27668711_27668795)_(27672668_27672864)del

Genes: IFT172 (intraflagellar transport 172; minus strand), KRTCAP3 (keratinocyte associated protein 3; plus strand). Cytogenetic location: 2p23.3.
Variant type: Deletion.
Identifiers: ClinVar variation 3768710 (VCV003768710.1).

ClinVar aggregate classification (germline): Pathogenic (1 of 4 stars; one submission).

Conditions:
IFT172-related disorder. Also called: IFT172-related condition; IFT172-related disorders.

Submission:

Women's Health and Genetics/Laboratory Corporation of America, LabCorp
Classification: Pathogenic for IFT172-Related Disorders. Last evaluated: 2025-02-06. Review status: criteria provided, single submitter. Criteria: LabCorp Variant Classification Summary - May 2015. Collection method: clinical testing. Allele origin: germline.
Comment: Variant summary: The variant involves the deletion of exons 37-44 in the IFT172 gene. A presumed nomenclature of c.(4050+1_4051-1)_(4815+1_4816-1)del has been designated for the purposes of this classification. This Copy Number Variant (CNV) is predicted to result in an in-frame deletion within this gene. The variant was absent in 21694 control chromosomes. To our knowledge, no occurrence of c.(4050+1_4051-1)_(4815+1_4816-1)del in individuals affected with IFT172-Related Disorders and no experimental evidence demonstrating its impact on protein function have been reported. Variants contained within the deleted region have been reported as likely pathogenic/pathogenic in ClinVar, indicating this region is important for protein function. No submitters have cited clinical-significance assessments for this variant to ClinVar. Based on the evidence outlined above, the variant was classified as pathogenic.